The following is an entry in ClinVar:

ClinVar aggregate classification (germline): Uncertain significance (1 of 4 stars; one submission).

Conditions:
Hereditary cancer-predisposing syndrome. Also called: Hereditary Cancer Syndrome; Hereditary neoplastic syndrome; Neoplastic Syndromes, Hereditary; Tumor predisposition. Identifiers: Orphanet 140162, MedGen C0027672, MeSH D009386, MONDO:0015356.

Submission:

Ambry Genetics
Classification: Uncertain significance for Hereditary cancer-predisposing syndrome. Last evaluated: 2021-12-22. Review status: criteria provided, single submitter. Criteria: Ambry Variant Classification Scheme 2023. Collection method: clinical testing. Allele origin: germline.
Comment: The p.E467V variant (also known as c.1400A>T), located in coding exon 6 of the BARD1 gene, results from an A to T substitution at nucleotide position 1400. The glutamic acid at codon 467 is replaced by valine, an amino acid with dissimilar properties. This amino acid position is conserved. In addition, the in silico prediction for this alteration is inconclusive. Since supporting evidence is limited at this time, the clinical significance of this alteration remains unclear.

NM_000465.4(BARD1):c.1400A>T (p.Glu467Val)

Gene: BARD1 (BRCA1 associated RING domain 1; minus strand). Cytogenetic location: 2q35.
Variant type: single nucleotide variant.
Coding change: c.1400A>T on transcript NM_000465.4 (MANE Select); coding-DNA position 1400, A replaced by T.
Protein change: p.Glu467Val; replaces glutamic acid 467 with valine.
Molecular consequence: missense variant. On other transcripts: non-coding transcript variant (3), intron variant (3).
Genome position (GRCh38, 1-based): chr2:214,767,650, T>A on the plus strand (A>T on the coding strand, the complement: BARD1 is on the minus strand). VCF-style: chr2-214767650-T-A. GRCh37 (hg19) VCF-style: chr2-215632374-T-A.
Other names: c.1343A>T, p.Glu448Val (NM_001282543.2); c.159-15095A>T (NM_001282548.2); c.216-15095A>T (NM_001282545.2); c.364+24647A>T (NM_001282549.2); short protein forms E467V, E448V.
Identifiers: ClinVar variation 1771783 (VCV001771783.2), dbSNP rs993612204, ClinGen allele CA350448889.